The following is an entry in ClinVar:

NM_001042492.3(NF1):c.7511T>C (p.Leu2504Pro)

Gene: NF1 (neurofibromin 1; plus strand). Cytogenetic location: 17q11.2.
Variant type: single nucleotide variant.
Coding change: c.7511T>C on transcript NM_001042492.3 (MANE Select); coding-DNA position 7511, T replaced by C.
Protein change: p.Leu2504Pro; replaces leucine 2504 with proline.
Molecular consequence: missense variant.
Genome position (GRCh38, 1-based): chr17:31,352,310, T>C. VCF-style: chr17-31352310-T-C. GRCh37 (hg19) VCF-style: chr17-29679328-T-C.
Other names: c.7448T>C, p.Leu2483Pro (NM_000267.4); short protein forms L2483P, L2504P.
Identifiers: ClinVar variation 1356971 (VCV001356971.8), dbSNP rs2151577076, ClinGen allele CA399017543.

ClinVar aggregate classification (germline): Uncertain significance (1 of 4 stars; one submission).

Conditions:
Neurofibromatosis, type 1 (NF1). Also called: NEUROFIBROMATOSIS, TYPE I, SOMATIC; VON RECKLINGHAUSEN DISEASE; Neurofibromatosis, type I; Peripheral type neurofibromatosis. Identifiers: Orphanet 636, MedGen C0027831, MONDO:0018975, OMIM 162200. Disease mechanism: loss of function.

Submission:

Labcorp Genetics (formerly Invitae), Labcorp
Classification: Uncertain significance for Neurofibromatosis, type 1. Last evaluated: 2020-12-17. Review status: criteria provided, single submitter. Criteria: Invitae Variant Classification Sherloc (09022015). Collection method: clinical testing. Allele origin: germline.
Comment: In summary, the available evidence is currently insufficient to determine the role of this variant in disease. Therefore, it has been classified as a Variant of Uncertain Significance. Advanced modeling of protein sequence and biophysical properties (such as structural, functional, and spatial information, amino acid conservation, physicochemical variation, residue mobility, and thermodynamic stability) performed at Invitae indicates that this missense variant is expected to disrupt NF1 protein function. This variant has not been reported in the literature in individuals with NF1-related conditions. This variant is not present in population databases (ExAC no frequency). This sequence change replaces leucine with proline at codon 2483 of the NF1 protein (p.Leu2483Pro). The leucine residue is highly conserved and there is a moderate physicochemical difference between leucine and proline.